The following is an entry in ClinVar:

NM_001204.7(BMPR2):c.1472G>A (p.Arg491Gln)

Gene: BMPR2 (bone morphogenetic protein receptor type 2; plus strand). Cytogenetic location: 2q33.2.
Variant type: single nucleotide variant.
Coding change: c.1472G>A on transcript NM_001204.7 (MANE Select); coding-DNA position 1472, G replaced by A.
Protein change: p.Arg491Gln; replaces arginine 491 with glutamine.
Molecular consequence: missense variant.
Genome position (GRCh38, 1-based): chr2:202,552,774, G>A. VCF-style: chr2-202552774-G-A. GRCh37 (hg19) VCF-style: chr2-203417497-G-A.
Other names: NM_001204.7(BMPR2):c.1472G>A; c.1472G>A, p.Arg491Gln (LRG_712t1); short protein forms R491Q.
Identifiers: ClinVar variation 8806 (VCV000008806.24), dbSNP rs137852749, ClinGen allele CA278089.
Genomic context (GRCh38, chr2:202,552,774, plus strand): 5'-AGGCAGTGAGGTCACTCAAGGAGACAATCGAAGACTGTTGGGACCAGGATGCAGAGGCTC[G>A]GCTTACTGCACAGTGTGCTGAGGAAAGGATGGCTGAACTTATGATGATTTGGGAAAGAAA-3'
Protein context (NP_001195.2, residues 481-501): EDCWDQDAEA[Arg491Gln]LTAQCAEERM

ClinVar aggregate classification (germline): Pathogenic. Review status: reviewed by expert panel (3 of 4 stars). 11 submissions from 11 submitters: Pathogenic (1). 10 of the submissions do not count toward it. Last evaluated 2024-05-03.

Conditions:
Pulmonary arterial hypertension. Identifiers: Orphanet 182090, MedGen C2973725, MeSH D000081029, MONDO:0015924, HP:0002092.
Pulmonary hypertension, primary, 1 (PPH1). Also called: Pulmonary hypertension, familial primary, 1, with or without HHT. Identifiers: Orphanet 422, MedGen C4552070, MONDO:0024533, OMIM 178600.
BMPR2-related disorder. Also called: BMPR2-related disorders; BMPR2-related condition.
Idiopathic and/or familial pulmonary arterial hypertension. Identifiers: Orphanet 422, MedGen C5679820, MONDO:0008347.
Primary pulmonary hypertension. Also called: Idiopathic pulmonary hypertension. Identifiers: MedGen C0152171.
Pulmonary venoocclusive disease 1 (PVOD1). Also called: Pulmonary venoocclusive disease 1, autosomal dominant. Identifiers: Orphanet 31837, MedGen C3887658, MONDO:0020713, OMIM 265450.

Allele frequency attached by ClinVar (database versions not stated): gnomAD exomes below 0.00001.
gnomAD v4.1: 1 of 1,614,084 alleles (0.000062%); highest among the groups gnomAD compares: South Asian, 0.0011%; no homozygotes.

Submissions (11):

Clingen Pulmonary Hypertension Variant Curation Expert Panel, ClinGen
Classification: Pathogenic for Pulmonary arterial hypertension. Last evaluated: 2024-05-03. Review status: reviewed by expert panel. Criteria: ClinGen PH ACMG Specifications BMPR2 V1.1.0. Collection method: curation. Allele origin: germline. Inheritance: Autosomal dominant inheritance.
Comment: The NM_001204.7(BMPR2):c.1472G>A (p.Arg491Gln) variant is a missense variant predicted to cause an arginine to glutamine substitution at amino acid position 491. The variant is absent from gnomAD v2.1.1 and v3.1.2 controls (PM2_supporting). The variant co-segregated with PAH in a large Iberian family with at least four confirmed meioses (PP1; PMID: 30894412), is recurrent in more than four unrelated PAH patients (PS4; PMID: 20534176 and PMID: 29023671) and confirmed de novo in at least two probands with unaffected parents (PS2; PMID: 10903931 and PMID: 23298310). c.1472G>A resides in the conserved kinase domain of BMPR-II and changes an invariant and critical arginine residue at position 491 (PM1_Strong; PMID: 7768349, PMID: 34400635), likely impairing interaction with other BMP receptors. The functional assay evidence for a role in BMP receptor interactions was based on a PH VCEP approved luciferase activity assay but lacked known pathogenic and benign variant controls, so PS3 was scored at the supporting level (PS3_supporting; PMID: 18321866). A different amino acid change at the same position (p.Arg491Trp) was classified as pathogenic (PM5). PP3 was met based on a REVEL score of 0.962. In summary, this variant meets the criteria to be classified as pathogenic for pulmonary arterial hypertension based on ACMG/AMP criteria applied, as specified by the ClinGen Pulmonary Hypertension VCEP: PS2, PS3_supporting, PS4, PM1_strong, PM2_supporting, PM5, PP1, PP3 (VCEP specification version v 1.1, 1/18/2024).

Labcorp Genetics (formerly Invitae), Labcorp
Classification: Pathogenic for Primary pulmonary hypertension. Last evaluated: 2025-06-10. Review status: criteria provided, single submitter. Criteria: Invitae Variant Classification Sherloc (09022015). Collection method: clinical testing. Allele origin: germline. Not counted in ClinVar's aggregate classification.
Comment: This sequence change replaces arginine, which is basic and polar, with glutamine, which is neutral and polar, at codon 491 of the BMPR2 protein (p.Arg491Gln). This variant is not present in population databases (gnomAD no frequency). This missense change has been observed in individual(s) with primary pulmonary hypertension (PMID: 10903931, 32581362). In at least one individual the variant was observed to be de novo. Invitae Evidence Modeling of clinical and family history, age, sex, and reported ancestry of multiple individuals with this BMPR2 variant has been performed. This variant is expected to be pathogenic with a positive predictive value of at least 99%. This is a validated machine learning model that incorporates the clinical features of 21,746 individuals referred to our laboratory for BMPR2 testing. ClinVar contains an entry for this variant (Variation ID: 8806). Invitae Evidence Modeling incorporating data from in vitro experimental studies (internal data) indicates that this missense variant is expected to disrupt BMPR2 function with a positive predictive value of 95%. This variant disrupts the p.Arg491 amino acid residue in BMPR2. Other variant(s) that disrupt this residue have been determined to be pathogenic (PMID: 10903931, 12045205, 28388887, 31727138; internal data). This suggests that this residue is clinically significant, and that variants that disrupt this residue are likely to be disease-causing. For these reasons, this variant has been classified as Pathogenic.

Department of Human Genetics, Hannover Medical School
Classification: Pathogenic for Pulmonary hypertension, primary, 1. Last evaluated: 2024-06-11. Review status: criteria provided, single submitter. Criteria: ACMG Guidelines, 2015. Collection method: clinical testing. Allele origin: germline. Inheritance: Autosomal dominant inheritance. Affected: yes. Not counted in ClinVar's aggregate classification.

Blueprint Genetics
Classification: Pathogenic for BMPR2-related disorders. Last evaluated: 2023-12-27. Review status: criteria provided, single submitter. Criteria: ACMG Guidelines, 2015. Collection method: clinical testing. Allele origin: germline. Affected: yes. Observed: 4 variant alleles. Not counted in ClinVar's aggregate classification.

ARUP Laboratories, Molecular Genetics and Genomics, ARUP Laboratories
Classification: Pathogenic. Last evaluated: 2019-08-28. Review status: criteria provided, single submitter. Criteria: ARUP Molecular Germline Variant Investigation Process. Collection method: clinical testing. Allele origin: germline. Not counted in ClinVar's aggregate classification.
Comment: The BMPR2 c.1472G>A; p.Arg491Gln variant (rs137852749) is reported in the literature in multiple individuals affected with familial and sporadic forms of pulmonary arterial hypertension (PAH) (Deng 2000, Liu 2012, Machado 2006, Pfarr 2011, Rosenzweig 2008, Sztrymf 2008). This variant is reported as pathogenic in ClinVar (Variation ID: 8806), and is absent from general population databases (Exome Variant Server, Genome Aggregation Database), indicating it is not a common polymorphism. The arginine at codon 491 is highly conserved, and computational analyses (SIFT, PolyPhen-2) predict that this variant is deleterious. Functional assays show that while the variant protein is trafficked appropriately to the plasma membrane, there is a decrease in ligand-dependent activation of a downstream SMAD reporter (Rudarakanchana 2002). Additionally, another variant at this codon (c.1471C>T, p.Arg491Trp) has been reported in individuals with PAH (Deng 2000, Liu 2012, Machado 2006, Pfarr 2011, Rosenzweig 2008, Sztrymf 2008), and codon 491 is considered a mutational hotspot (Wong 2006). Based on available information, this variant is considered to be pathogenic. References: Deng et al. Familial primary pulmonary hypertension (gene PPH1) is caused by mutations in the bone morphogenetic protein receptor-II gene. Am J Hum Genet. 2000; 67(3): 737-744. Liu D et al. Molecular genetics and clinical features of Chinese idiopathic and heritable pulmonary arterial hypertension patients. Eur Respir J. 2012 Mar;39(3):597-603. Machado et al. Mutations of the TGF-beta type II receptor BMPR2 in pulmonary arterial hypertension. Hum Mutat. 2006; 27(2): 121-132. Pfarr N et al. Hemodynamic and clinical onset in patients with hereditary pulmonary arterial hypertension and BMPR2 mutations. Respir Res. 2011 Jul 29;12:99. Rosenzweig et al. Clinical implications of determining BMPR2 mutation status in a large cohort of children and adults with pulmonary arterial hypertension. J Heart Lung Transplant. 2008; 27(6): 668-674. Rudarakanchana et al. Functional analysis of bone morphogenetic protein type II receptor mutations underlying primary pulmonary hypertension. Hum Mol Genet. 2002; 11(13): 1517-1525. Sztrymf et al. Clinical outcomes of pulmonary arterial hypertension in carriers of BMPR2 mutation. Am J Respir Crit Care Med. 2008; 177(12): 1377-1383. Wong et al. Evolutionary conservation and mutational spectrum of BMPR2 gene. Gene. 2006; 368: 84-93.

3billion
Classification: Pathogenic for Pulmonary venoocclusive disease 1. Review status: criteria provided, single submitter. Criteria: ACMG Guidelines, 2015. Collection method: clinical testing. Allele origin: unknown. Affected: yes. Observed: 1 heterozygote. Not counted in ClinVar's aggregate classification.
Comment: The variant is not observed in the gnomAD v2.1.1 dataset. The variant is located in a mutational hot spot and/or well-established functional domain in which established pathogenic variants have been reported. In silico tool predictions suggest damaging effect of the variant on gene or gene product (REVEL: 0.96; 3Cnet: 0.55). Same nucleotide change resulting in same amino acid change has been previously reported as pathogenic/likely pathogenic with strong evidence (ClinVar ID: VCV000008806 / PMID: 10903931). Different missense changes at the same codon (p.Arg491Leu, p.Arg491Trp) have been reported as pathogenic/likely pathogenic with strong evidence (ClinVar ID: VCV000008802, VCV001067745 / PMID: 10903931). Therefore, this variant is classified as Pathogenic according to the recommendation of ACMG/AMP guideline.

Kasturba Medical College, Manipal, Kasturba Medical College, Manipal, Manipal Academy of Higher Education, Manipal, India
Classification: Pathogenic for Pulmonary hypertension, primary, 1. Review status: criteria provided, single submitter. Criteria: ACMG Guidelines, 2015. Collection method: clinical testing. Allele origin: unknown. Inheritance: Autosomal dominant inheritance. Affected: yes. Observed: 1 heterozygote. Not counted in ClinVar's aggregate classification.

OMIM
Classification: Pathogenic for PULMONARY HYPERTENSION, PRIMARY, 1. Last evaluated: 2000-09-01. Review status: no assertion criteria provided. Collection method: literature only. Allele origin: germline. Not counted in ClinVar's aggregate classification.

NIHR Bioresource Rare Diseases, University of Cambridge
Classification: Pathogenic for Pulmonary arterial hypertension. Review status: no assertion criteria provided. Collection method: research. Allele origin: unknown. Affected: yes. Observed: 3 variant alleles. Not counted in ClinVar's aggregate classification.

Rare Disease Genomics Group, St George's University of London
Classification: Pathogenic for Primary pulmonary hypertension. Review status: no assertion criteria provided. Collection method: literature only. Allele origin: germline. Affected: yes. Not counted in ClinVar's aggregate classification.

Wendy Chung Laboratory, Boston Children's Hospital
No classification provided. Condition: Idiopathic and/or familial pulmonary arterial hypertension. Review status: no classification provided. Collection method: literature only. Allele origin: germline. Affected: yes. Not counted in ClinVar's aggregate classification.

Literature cited by the submitters: PubMed 34400635 (cited by Clingen Pulmonary Hypertension Variant Curation Expert Panel, ClinGen); PubMed 31797984 (cited by Clingen Pulmonary Hypertension Variant Curation Expert Panel, ClinGen); PubMed 10903931 (cited by 4 submitters); PubMed 32581362 (cited by Labcorp Genetics (formerly Invitae), Labcorp and NIHR Bioresource Rare Diseases, University of Cambridge); PubMed 12045205 (cited by Labcorp Genetics (formerly Invitae), Labcorp); PubMed 28388887 (cited by Labcorp Genetics (formerly Invitae), Labcorp); PubMed 31727138 (cited by Labcorp Genetics (formerly Invitae), Labcorp and Wendy Chung Laboratory, Boston Children's Hospital); DOI 10.1093/hmg/11.13.1517 (cited by Kasturba Medical College, Manipal, Kasturba Medical College, Manipal, Manipal Academy of Higher Education, Manipal, India); PubMed 3291115 (cited by OMIM); PubMed 15965979 (cited by Rare Disease Genomics Group, St George's University of London); PubMed 16429395 (cited by Rare Disease Genomics Group, St George's University of London); PubMed 19555857 (cited by Rare Disease Genomics Group, St George's University of London); PubMed 20096498 (cited by Rare Disease Genomics Group, St George's University of London); PubMed 21801371 (cited by Rare Disease Genomics Group, St George's University of London); PubMed 21737554 (cited by Rare Disease Genomics Group, St George's University of London); PubMed 23298310 (cited by Rare Disease Genomics Group, St George's University of London).